The following is an entry in ClinVar:

NM_018972.4(GDAP1):c.907G>A (p.Ala303Thr)

Gene: GDAP1 (ganglioside induced differentiation associated protein 1; plus strand). Cytogenetic location: 8q21.11.
Variant type: single nucleotide variant.
Coding change: c.907G>A on transcript NM_018972.4 (MANE Select); coding-DNA position 907, G replaced by A.
Protein change: p.Ala303Thr; replaces alanine 303 with threonine.
Molecular consequence: missense variant. On other transcripts: intron variant (1).
Genome position (GRCh38, 1-based): chr8:74,364,197, G>A. VCF-style: chr8-74364197-G-A. GRCh37 (hg19) VCF-style: chr8-75276432-G-A.
Other names: c.703G>A, p.Ala235Thr (NM_001040875.4); c.580G>A, p.Ala194Thr (NM_001362929.2, NM_001362932.2); c.733G>A, p.Ala245Thr (NM_001362930.2); c.694+1144G>A (NM_001362931.2); short protein forms A194T, A235T, A245T, A303T.
Identifiers: ClinVar variation 1299124 (VCV001299124.38), dbSNP rs368055667, ClinGen allele CA371550519.
Genomic context (GRCh38, chr8:74,364,197, plus strand): 5'-GTCTTGAAGAGAAAAACATTTAACAAGGTTTTAGGACATGTCAACAATATATTAATCTCT[G>A]CAGTGCTGCCAACAGCATTCCGGGTGGCCAAGAAAAGGGCCCCAAAAGTTCTTGGCACGA-3'
Protein context (NP_061845.2, residues 293-313): LGHVNNILIS[Ala303Thr]VLPTAFRVAK

ClinVar aggregate classification (germline): Uncertain significance. Review status: criteria provided, multiple submitters, no conflicts (2 of 4 stars). 2 submissions from 2 submitters: Uncertain significance (2). Last evaluated 2025-03-31.

Conditions:
Charcot-Marie-Tooth disease type 4A. Also called: Charcot-Marie-Tooth disease, demyelinating, autosomal recessive, type 4a. Identifiers: Orphanet 99948, MedGen C1859198, MONDO:0008961, OMIM 214400.

Submissions (2):

Labcorp Genetics (formerly Invitae), Labcorp
Classification: Uncertain significance for Charcot-Marie-Tooth disease type 4A. Last evaluated: 2025-03-31. Review status: criteria provided, single submitter. Criteria: Invitae Variant Classification Sherloc (09022015). Collection method: clinical testing. Allele origin: germline.
Comment: This sequence change replaces alanine, which is neutral and non-polar, with threonine, which is neutral and polar, at codon 303 of the GDAP1 protein (p.Ala303Thr). This variant is not present in population databases (gnomAD no frequency). This variant has not been reported in the literature in individuals affected with GDAP1-related conditions. ClinVar contains an entry for this variant (Variation ID: 1299124). Invitae Evidence Modeling of protein sequence and biophysical properties (such as structural, functional, and spatial information, amino acid conservation, physicochemical variation, residue mobility, and thermodynamic stability) indicates that this missense variant is not expected to disrupt GDAP1 protein function with a negative predictive value of 80%. In summary, the available evidence is currently insufficient to determine the role of this variant in disease. Therefore, it has been classified as a Variant of Uncertain Significance.

CeGaT Center for Human Genetics Tuebingen
Classification: Uncertain significance. Last evaluated: 2022-02-01. Review status: criteria provided, single submitter. Criteria: CeGaT Center For Human Genetics Tuebingen Variant Classification Criteria Version 2. Collection method: clinical testing. Allele origin: germline. Affected: yes. Observed: 2 variant alleles.